The following is an entry in ClinVar:

ClinVar aggregate classification (germline): Pathogenic (1 of 4 stars; one submission).

Conditions:
Hypertrophic cardiomyopathy. Also called: HYPERTROPHIC MYOCARDIOPATHY. Identifiers: Orphanet 217569, MedGen C0007194, MeSH D002312, MONDO:0005045, HP:0001639.

Submission:

Labcorp Genetics (formerly Invitae), Labcorp
Classification: Pathogenic for Hypertrophic cardiomyopathy. Last evaluated: 2024-10-02. Review status: criteria provided, single submitter. Criteria: Invitae Variant Classification Sherloc (09022015). Collection method: clinical testing. Allele origin: germline.
Comment: This sequence change creates a premature translational stop signal (p.Asp553Glufs*18) in the MYBPC3 gene. It is expected to result in an absent or disrupted protein product. Loss-of-function variants in MYBPC3 are known to be pathogenic (PMID: 19574547). This variant is not present in population databases (gnomAD no frequency). This variant has not been reported in the literature in individuals affected with MYBPC3-related conditions. For these reasons, this variant has been classified as Pathogenic.

Literature cited by the submitters: PubMed 19574547.

NM_000256.3(MYBPC3):c.1649_1658dup (p.Asp553fs)

Gene: MYBPC3 (myosin binding protein C3; minus strand). Cytogenetic location: 11p11.2.
Variant type: Duplication.
Coding change: c.1649_1658dup on transcript NM_000256.3 (MANE Select); coding-DNA positions 1649 to 1658, 10 bases duplicated (GCATCGCAGA; older notation c.1649_1658dupGCATCGCAGA).
Protein change: p.Asp553fs; shifts the reading frame from aspartic acid 553.
Molecular consequence: frameshift variant.
Genome position (GRCh38, 1-based): chr11:47,342,123-47,342,132, TCTGCGATGC duplicated on the plus strand (GCATCGCAGA on the coding strand, the reverse complement: MYBPC3 is on the minus strand); duplicating any 10 consecutive bases within chr11:47,342,123-47,342,136 gives the same sequence; the c. name uses the placement nearest the transcript's 3' end. VCF-style (leftmost placement, unchanged base first): chr11-47342122-G-GTCTGCGATGC. GRCh37 (hg19) VCF-style: chr11-47363673-G-GTCTGCGATGC.
Other names: short protein forms D553fs.
Identifiers: ClinVar variation 3722064 (VCV003722064.2).